The following is an entry in ClinVar:

ClinVar aggregate classification (germline): Likely benign. Review status: criteria provided, multiple submitters, no conflicts (2 of 4 stars). 6 submissions from 6 submitters: Likely benign (6). Last evaluated 2026-01-11.

Conditions:
Inborn genetic diseases. Identifiers: MedGen C0950123, MeSH D030342.
Neuronal ceroid lipofuscinosis 13 (CLN13). Also called: CLN13 Disease; CEROID LIPOFUSCINOSIS, NEURONAL, 13 (KUFS TYPE). Identifiers: Orphanet 352709, Orphanet 79262, MedGen C3715049, MONDO:0014147, OMIM 615362.

Allele frequency attached by ClinVar (database versions not stated): gnomAD 0.00012 and 0.00013; TOPMed 0.00013; 1000 Genomes Project 30x 0.00016; gnomAD exomes 0.00017 and 0.00026; 1000 Genomes Project 0.00020; ExAC 0.00026; ESP Exome Variant Server 0.00031.
gnomAD v4.1: 392 of 1,614,156 alleles (0.024%); highest among the groups gnomAD compares: Non-Finnish European, 0.032%; no homozygotes.

Submissions (6):

Labcorp Genetics (formerly Invitae), Labcorp
Classification: Likely benign for Neuronal ceroid lipofuscinosis 13. Last evaluated: 2026-01-11. Review status: criteria provided, single submitter. Criteria: Invitae Variant Classification Sherloc (09022015). Collection method: clinical testing. Allele origin: germline.

Mayo Clinic Laboratories, Mayo Clinic
Classification: Likely benign. Last evaluated: 2025-08-01. Review status: criteria provided, single submitter. Criteria: ACMG Guidelines, 2015. Collection method: clinical testing. Allele origin: germline. Observed: 3 variant alleles.
Comment: BP4, BP7

Blueprint Genetics
Classification: Likely benign. Last evaluated: 2024-05-31. Review status: criteria provided, single submitter. Criteria: ACMG Guidelines, 2015. Collection method: clinical testing. Allele origin: germline.

CeGaT Center for Human Genetics Tuebingen
Classification: Likely benign. Last evaluated: 2022-05-01. Review status: criteria provided, single submitter. Criteria: CeGaT Center For Human Genetics Tuebingen Variant Classification Criteria Version 2. Collection method: clinical testing. Allele origin: germline. Affected: yes. Observed: 1 variant allele.
Comment: CTSF: BP4, BP7

GeneDx
Classification: Likely benign. Last evaluated: 2018-10-08. Review status: criteria provided, single submitter. Criteria: GeneDx Variant Classification Process June 2021. Collection method: clinical testing. Allele origin: germline. Affected: yes.

Ambry Genetics
Classification: Likely benign for Inborn genetic diseases. Last evaluated: 2017-06-29. Review status: criteria provided, single submitter. Criteria: Ambry Variant Classification Scheme 2023. Collection method: clinical testing. Allele origin: germline.

NM_003793.4(CTSF):c.780G>A (p.Lys260=)

Gene: CTSF (cathepsin F; minus strand). Cytogenetic location: 11q13.2.
Variant type: single nucleotide variant.
Coding change: c.780G>A on transcript NM_003793.4 (MANE Select); coding-DNA position 780, G replaced by A.
Protein change: p.Lys260=; no amino-acid change (lysine 260 retained).
Molecular consequence: synonymous variant.
Genome position (GRCh38, 1-based): chr11:66,566,109, C>T on the plus strand (G>A on the coding strand, the complement: CTSF is on the minus strand). VCF-style: chr11-66566109-C-T. GRCh37 (hg19) VCF-style: chr11-66333580-C-T.
Other names: p.Lys260=.
Identifiers: ClinVar variation 720279 (VCV000720279.43), dbSNP rs140002533, ClinGen allele CA6125438.
Genomic context (GRCh38, chr11:66,566,109, plus strand): 5'-CTTACTCCTCCAGTCCCATTCAGGTGGGGCGAGGTCACCCACAGACTTGGCTTGCTTCAT[C>T]TTGTTGCCAGGCTCTTTCCTCAGGAGAGTATTCAGGTAGATAGTGCGGAACTCCTCCTCT-3'
Protein context (NP_003784.2, residues 250-270): NTLLRKEPGN[Lys260=]MKQAKSVGDL